The following is an entry in ClinVar:

ClinVar aggregate classification (germline): Pathogenic (1 of 4 stars; one submission).

Conditions:
Usher syndrome type 1 (USH1). Also called: RETINITIS PIGMENTOSA AND CONGENITAL DEAFNESS. Identifiers: Orphanet 231169, Orphanet 886, MedGen C1568247, MONDO:0010168, OMIM 276900.

Submission:

Institute of Rare Diseases, West China Hospital, Sichuan University
Classification: Pathogenic for Usher syndrome type 1. Last evaluated: 2025-01-09. Review status: criteria provided, single submitter. Criteria: ClinGen HL ACMG Specifications v1. Collection method: research. Allele origin: germline. Affected: yes.
Comment: PVS1;PP4;PM2_Supporting

NM_000260.4(MYO7A):c.4989del (p.Thr1664fs)

Gene: MYO7A (myosin VIIA; plus strand). Cytogenetic location: 11q13.5.
Variant type: Deletion.
Coding change: c.4989del on transcript NM_000260.4 (MANE Select); coding-DNA position 4989, one base deleted (C; older notation c.4989delC).
Protein change: p.Thr1664fs; shifts the reading frame from threonine 1664.
Molecular consequence: frameshift variant.
Genome position (GRCh38, 1-based): chr11:77,201,584, C deleted; the last of 4 consecutive C bases (chr11:77,201,581-77,201,584); deleting any one gives the same sequence. VCF-style (leftmost placement, unchanged base first): chr11-77201580-TC-T. GRCh37 (hg19) VCF-style: chr11-76912625-TC-T.
Other names: c.4875del, p.Thr1626fs (NM_001127180.2); c.4842del, p.Thr1615fs (NM_001369365.1); short protein forms T1615fs, T1626fs, T1664fs.
Identifiers: ClinVar variation 3601482 (VCV003601482.1).